The following is an entry in ClinVar:

ClinVar aggregate classification (germline): Benign (1 of 4 stars; one submission).

Submissions (5):

Mayo Clinic Laboratories, Mayo Clinic
Classification: Benign. Last evaluated: 2025-02-05. Review status: criteria provided, single submitter. Criteria: ACMG Guidelines, 2015. Collection method: clinical testing. Allele origin: germline. Observed: 3 variant alleles.
Comment: BA1, BP4, BP7

Dr. Peter K. Rogan Lab, Western University
No classification provided (evidence only). Condition: Acute myeloid leukemia. Review status: no classification provided. Collection method: in vitro. Allele origin: not applicable. Functional consequence: retained intron. Not counted in ClinVar's aggregate classification.

Dr. Peter K. Rogan Lab, Western University
No classification provided (evidence only). Condition: Uterine corpus endometrial carcinoma. Review status: no classification provided. Collection method: in vitro. Allele origin: not applicable. Functional consequence: retained intron. Not counted in ClinVar's aggregate classification.

Dr. Peter K. Rogan Lab, Western University
No classification provided (evidence only). Condition: Ovarian serous cystadenocarcinoma. Review status: no classification provided. Collection method: in vitro. Allele origin: not applicable. Functional consequence: retained intron. Not counted in ClinVar's aggregate classification.

Dr. Peter K. Rogan Lab, Western University
No classification provided (evidence only). Condition: Ovarian serous cystadenocarcinoma. Review status: no classification provided. Collection method: in vitro. Allele origin: not applicable. Functional consequence: retained intron. Not counted in ClinVar's aggregate classification.

NM_024417.5(FDXR):c.270+8T>A

Gene: FDXR (ferredoxin reductase; minus strand). Cytogenetic location: 17q25.1.
Variant type: single nucleotide variant.
Coding change: c.270+8T>A on transcript NM_024417.5 (MANE Select); 8 bases into the intron after coding-DNA position 270, T replaced by A.
Molecular consequence: intron variant.
Genome position (GRCh38, 1-based): chr17:74,866,776, A>T on the plus strand (T>A on the coding strand, the complement: FDXR is on the minus strand). VCF-style: chr17-74866776-A-T. GRCh37 (hg19) VCF-style: chr17-72862898-A-T.
Other names: NC_000017.10:g.72862898A>T; p.?; c.270+8T>A (NM_001258014.4, NM_004110.6); c.273+8T>A (NM_001258015.3); c.399+8T>A (NM_001258012.4); c.363+8T>A (NM_001258013.4); c.114+8T>A (NM_001258016.3).
Identifiers: ClinVar variation 4426737 (VCV004426737.2).